The following is an entry in ClinVar:

NM_024426.6(WT1):c.660G>C (p.Gln220His)

Genes: WT1 (WT1 transcription factor; minus strand), LOC107982234 (WT1/WT1-AS bi-directional promoter region; plus strand). Cytogenetic location: 11p13.
Variant type: single nucleotide variant.
Coding change: c.660G>C on transcript NM_024426.6 (MANE Select); coding-DNA position 660, G replaced by C.
Protein change: p.Gln220His; replaces glutamine 220 with histidine.
Molecular consequence: missense variant. On other transcripts: non-coding transcript variant (2).
Genome position (GRCh38, 1-based): chr11:32,434,701, C>G on the plus strand (G>C on the coding strand, the complement: WT1 is on the minus strand). VCF-style: chr11-32434701-C-G. GRCh37 (hg19) VCF-style: chr11-32456247-C-G.
Other names: c.660G>C, p.Gln220His (NM_000378.6, NM_001407044.1, NM_001407045.1 and 6 more transcripts); c.441G>C, p.Gln147His (NM_001429031.1, NM_001429032.1, NM_001429033.1 and 1 more transcripts); short protein forms Q147H, Q215H, Q220H.
Identifiers: ClinVar variation 4634862 (VCV004634862.1).
Genomic context (GRCh38, chr11:32,434,701, plus strand): 5'-AGCGGAGAGTCCCTGGCGCCACTGCCCCGCGCGTAGGGGGCGCTCCCCGGCCTACTTACC[C>G]TGATTGCGAATAGCGGGCTGGCTCTCGAGGCAGCTGGGCAGGTAGGGCGCGTTAGGAAAC-3'
Protein context (NP_077744.4, residues 210-230): CLESQPAIRN[Gln220His]GYSTVTFDGT

ClinVar aggregate classification (germline): Uncertain significance (1 of 4 stars; one submission).

Conditions:
Inborn genetic diseases. Identifiers: MedGen C0950123, MeSH D030342.

gnomAD v4.1: 1 of 1,612,966 alleles (0.000062%); highest among the groups gnomAD compares: Non-Finnish European, 0.000085%; no homozygotes.

Submission:

Ambry Genetics
Classification: Uncertain significance for Inborn genetic diseases. Last evaluated: 2025-10-28. Review status: criteria provided, single submitter. Criteria: Ambry Variant Classification Scheme 2023. Collection method: clinical testing. Allele origin: germline.
Comment: The p.Q215H variant (also known as c.645G>C), located in coding exon 1 of the WT1 gene, results from a G to C substitution at nucleotide position 645. The glutamine at codon 215 is replaced by histidine, an amino acid with highly similar properties. This amino acid position is conserved. In addition, the in silico prediction for this alteration is inconclusive. Based on the available evidence, the clinical significance of this variant remains unclear.